The following is an entry in ClinVar:

ClinVar aggregate classification (germline): Likely pathogenic (1 of 4 stars; one submission).

Conditions:
Glycogen storage disease type III (GSD3). Also called: Cori disease; FORBES DISEASE. Identifiers: Orphanet 366, MedGen C0017922, MONDO:0009291, OMIM 232400.

Submission:

Greenwood Genetic Center Diagnostic Laboratories, Greenwood Genetic Center
Classification: Likely pathogenic for Glycogen storage disease type III. Last evaluated: 2023-03-10. Review status: criteria provided, single submitter. Criteria: ACMG Guidelines, 2015. Collection method: clinical testing. Allele origin: germline. Affected: yes.
Comment: PS3_Moderate, PM2, PM3_Supporting, PP3

NM_000642.3(AGL):c.4562C>T (p.Ser1521Leu)

Gene: AGL (amylo-alpha-1,6-glucosidase and 4-alpha-glucanotransferase; plus strand). Cytogenetic location: 1p21.2.
Variant type: single nucleotide variant.
Coding change: c.4562C>T on transcript NM_000642.3 (MANE Select); coding-DNA position 4562, C replaced by T.
Protein change: p.Ser1521Leu; replaces serine 1521 with leucine.
Molecular consequence: missense variant.
Genome position (GRCh38, 1-based): chr1:99,921,614, C>T. VCF-style: chr1-99921614-C-T. GRCh37 (hg19) VCF-style: chr1-100387170-C-T.
Other names: c.4562C>T, p.Ser1521Leu (NM_000028.3, NM_000643.3, NM_000644.3 and 1 more transcripts); c.4514C>T, p.Ser1505Leu (NM_000646.3); c.4541C>T, p.Ser1514Leu (NM_001425326.1); c.4361C>T, p.Ser1454Leu (NM_001425327.1); c.4358C>T, p.Ser1453Leu (NM_001425328.1); c.4223C>T, p.Ser1408Leu (NM_001425329.1); c.4184C>T, p.Ser1395Leu (NM_001425332.1); short protein forms S1505L, S1521L, S1395L, S1408L, S1453L, S1454L, S1514L.
Identifiers: ClinVar variation 2505206 (VCV002505206.1), dbSNP rs2523917477, ClinGen allele CA341343867.